The following is an entry in ClinVar:

ClinVar aggregate classification (germline): Uncertain significance (1 of 4 stars; one submission).

Conditions:
Hereditary breast ovarian cancer syndrome. Also called: Hereditary breast and ovarian cancer syndrome; Breast and ovarian cancer; BRCA1- and BRCA2-Associated Hereditary Breast and Ovarian Cancer; Hereditary breast and ovarian cancer; Hereditary breast and/or ovarian cancer syndrome; Hereditary breast and ovarian cancer syndrome (HBOC). Identifiers: Orphanet 145, MedGen C0677776, MeSH D061325, MONDO:0003582. Disease mechanism: loss of function.

Submission:

Labcorp Genetics (formerly Invitae), Labcorp
Classification: Uncertain significance for Hereditary breast ovarian cancer syndrome. Last evaluated: 2019-12-23. Review status: criteria provided, single submitter. Criteria: Invitae Variant Classification Sherloc (09022015). Collection method: clinical testing. Allele origin: germline.
Comment: In summary, the available evidence is currently insufficient to determine the role of this variant in disease. Therefore, it has been classified as a Variant of Uncertain Significance. Algorithms developed to predict the effect of missense changes on protein structure and function are either unavailable or do not agree on the potential impact of this missense change (SIFT: "Tolerated"; PolyPhen-2: "Probably Damaging"; Align-GVGD: "Class C0"). This variant has not been reported in the literature in individuals with BRCA2-related conditions. This variant is not present in population databases (ExAC no frequency). This sequence change replaces serine with phenylalanine at codon 2559 of the BRCA2 protein (p.Ser2559Phe). The serine residue is moderately conserved and there is a large physicochemical difference between serine and phenylalanine.

NM_000059.4(BRCA2):c.7676C>T (p.Ser2559Phe)

Gene: BRCA2 (BRCA2 DNA repair associated; plus strand). Cytogenetic location: 13q13.1.
Variant type: single nucleotide variant.
Coding change: c.7676C>T on transcript NM_000059.4 (MANE Select); coding-DNA position 7676, C replaced by T.
Protein change: p.Ser2559Phe; replaces serine 2559 with phenylalanine.
Molecular consequence: missense variant.
Genome position (GRCh38, 1-based): chr13:32,357,800, C>T. VCF-style: chr13-32357800-C-T. GRCh37 (hg19) VCF-style: chr13-32931937-C-T.
Other names: short protein forms S2559F.
Identifiers: ClinVar variation 837085 (VCV000837085.12), dbSNP rs1060502421, ClinGen allele CA387745097.
Genomic context (GRCh38, chr13:32,357,800, plus strand): 5'-AGCTGTATACGTATGGCGTTTCTAAACATTGCATAAAAATTAACAGCAAAAATGCAGAGT[C>T]TTTTCAGTTTCACACTGAAGATTATTTTGGTAAGGAAAGTTTATGGACTGGAAAAGGAAT-3'
Protein context (NP_000050.3, residues 2549-2569): CIKINSKNAE[Ser2559Phe]FQFHTEDYFG